The following is an entry in ClinVar:

ClinVar aggregate classification (germline): Uncertain significance (1 of 4 stars; one submission).

Conditions:
Bethlem myopathy 1A. Also called: Bethlem myopathy 1; MYOPATHY, BENIGN CONGENITAL, WITH CONTRACTURES; Bethlem Muscular Dystrophy. Identifiers: Orphanet 610, MedGen CN029274, MONDO:0024530, OMIM 158810.

Submission:

Labcorp Genetics (formerly Invitae), Labcorp
Classification: Uncertain significance for Bethlem myopathy 1A. Last evaluated: 2022-08-08. Review status: criteria provided, single submitter. Criteria: Invitae Variant Classification Sherloc (09022015). Collection method: clinical testing. Allele origin: germline.
Comment: In summary, the available evidence is currently insufficient to determine the role of this variant in disease. Therefore, it has been classified as a Variant of Uncertain Significance. Advanced modeling of protein sequence and biophysical properties (such as structural, functional, and spatial information, amino acid conservation, physicochemical variation, residue mobility, and thermodynamic stability) performed at Invitae indicates that this missense variant is not expected to disrupt COL6A3 protein function. This variant has not been reported in the literature in individuals affected with COL6A3-related conditions. This variant is not present in population databases (gnomAD no frequency). This sequence change replaces isoleucine, which is neutral and non-polar, with threonine, which is neutral and polar, at codon 2339 of the COL6A3 protein (p.Ile2339Thr).

NM_004369.4(COL6A3):c.7016T>C (p.Ile2339Thr)

Gene: COL6A3 (collagen type VI alpha 3 chain; minus strand). Cytogenetic location: 2q37.3.
Variant type: single nucleotide variant.
Coding change: c.7016T>C on transcript NM_004369.4 (MANE Select); coding-DNA position 7016, T replaced by C.
Protein change: p.Ile2339Thr; replaces isoleucine 2339 with threonine.
Molecular consequence: missense variant.
Genome position (GRCh38, 1-based): chr2:237,347,820, A>G on the plus strand (T>C on the coding strand, the complement: COL6A3 is on the minus strand). VCF-style: chr2-237347820-A-G. GRCh37 (hg19) VCF-style: chr2-238256463-A-G.
Other names: c.5195T>C, p.Ile1732Thr (NM_057166.5); c.6398T>C, p.Ile2133Thr (NM_057167.4); short protein forms I2339T, I1732T, I2133T.
Identifiers: ClinVar variation 1919131 (VCV001919131.5), dbSNP rs2077126445, ClinGen allele CA351207077.